The following is an entry in ClinVar:

ClinVar aggregate classification (germline): Pathogenic. Review status: criteria provided, multiple submitters, no conflicts (2 of 4 stars). 2 submissions from 2 submitters: Pathogenic (2). Last evaluated 2023-11-10.

Conditions:
Bethlem myopathy 1A. Also called: MYOPATHY, BENIGN CONGENITAL, WITH CONTRACTURES; Bethlem Muscular Dystrophy; Bethlem myopathy 1. Identifiers: Orphanet 610, MedGen CN029274, MONDO:0024530, OMIM 158810.

gnomAD v4.1: 1 of 1,609,064 alleles (0.000062%); highest among the groups gnomAD compares: Admixed American, 0.0017%; no homozygotes.

Submissions (2):

3billion
Classification: Pathogenic for Bethlem myopathy 1A. Last evaluated: 2023-11-10. Review status: criteria provided, single submitter. Criteria: ACMG Guidelines, 2015. Collection method: clinical testing. Allele origin: germline. Affected: yes.
Comment: The variant is not observed in the gnomAD v2.1.1 dataset. Predicted Consequence/Location: Canonical splice site: predicted to alter splicing and result in a loss or disruption of normal protein function. Multiple pathogenic loss-of-function variants are reported downstream of the variant. The variant has been reported to be associated with COL6A1 related disorder (ClinVar ID: VCV000835438 /PMID: 33726816 /3billion dataset). Therefore, this variant is classified as Pathogenic according to the recommendation of ACMG/AMP guideline.

Labcorp Genetics (formerly Invitae), Labcorp
Classification: Pathogenic for Bethlem myopathy 1A. Last evaluated: 2022-10-13. Review status: criteria provided, single submitter. Criteria: Invitae Variant Classification Sherloc (09022015). Collection method: clinical testing. Allele origin: germline.
Comment: This sequence change affects a donor splice site in intron 8 of the COL6A1 gene. It is expected to disrupt RNA splicing. Variants that disrupt the donor or acceptor splice site typically lead to a loss of protein function (PMID: 16199547), and loss-of-function variants in COL6A1 are known to be disease-causing for autosomal recessive COL6A1 conditions (PMID: 21280092, 20976770). However, certain variants affecting donor or acceptor splice sites in the triple helical domain of COL6A1 are expected to result in in-frame exon skipping and have been reported to cause autosomal dominant COL6A1-related conditions (PMID: 18366090). This variant is not present in population databases (gnomAD no frequency). Disruption of this splice site has been observed in individuals with clinical features of autosomal dominant COL6A3-related conditions (PMID: 24271325; Invitae). ClinVar contains an entry for this variant (Variation ID: 835438). Algorithms developed to predict the effect of sequence changes on RNA splicing suggest that this variant may disrupt the consensus splice site. For these reasons, this variant has been classified as Pathogenic.

Literature cited by the submitters: PubMed 33726816 (cited by 3billion); PubMed 16199547 (cited by Labcorp Genetics (formerly Invitae), Labcorp); PubMed 21280092 (cited by Labcorp Genetics (formerly Invitae), Labcorp); PubMed 20976770 (cited by Labcorp Genetics (formerly Invitae), Labcorp); PubMed 18366090 (cited by Labcorp Genetics (formerly Invitae), Labcorp); PubMed 24271325 (cited by Labcorp Genetics (formerly Invitae), Labcorp).

NM_001848.3(COL6A1):c.804+1G>A

Gene: COL6A1 (collagen type VI alpha 1 chain; plus strand). Cytogenetic location: 21q22.3.
Variant type: single nucleotide variant.
Coding change: c.804+1G>A on transcript NM_001848.3 (MANE Select); the canonical splice donor site of the intron after coding-DNA position 804, G replaced by A.
Molecular consequence: splice donor variant.
Genome position (GRCh38, 1-based): chr21:45,987,655, G>A. VCF-style: chr21-45987655-G-A. GRCh37 (hg19) VCF-style: chr21-47407569-G-A.
Identifiers: ClinVar variation 835438 (VCV000835438.11), dbSNP rs1385646650, ClinGen allele CA410520958.